The following is an entry in ClinVar:

NM_007294.4(BRCA1):c.2476A>G (p.Thr826Ala)

Gene: BRCA1 (BRCA1 DNA repair associated; minus strand). Cytogenetic location: 17q21.31.
Variant type: single nucleotide variant.
Coding change: c.2476A>G on transcript NM_007294.4 (MANE Select); coding-DNA position 2476, A replaced by G.
Protein change: p.Thr826Ala; replaces threonine 826 with alanine.
Molecular consequence: missense variant. On other transcripts: intron variant (137).
Genome position (GRCh38, 1-based): chr17:43,093,055, T>C on the plus strand (A>G on the coding strand, the complement: BRCA1 is on the minus strand). VCF-style: chr17-43093055-T-C. GRCh37 (hg19) VCF-style: chr17-41245072-T-C.
Other names: c.2263A>G, p.Thr755Ala (NM_001407571.1, NM_001407853.1, NM_001407894.1 and 9 more transcripts); c.2476A>G, p.Thr826Ala (NM_001407581.1, NM_001407582.1, NM_001407583.1 and 30 more transcripts); c.2473A>G, p.Thr825Ala (NM_001407587.1, NM_001407590.1, NM_001407591.1 and 22 more transcripts); c.2467A>G, p.Thr823Ala (NM_001407646.1, NM_001407647.1); c.2353A>G, p.Thr785Ala (NM_001407648.1, NM_001407664.1, NM_001407665.1 and 19 more transcripts); c.2350A>G, p.Thr784Ala (NM_001407649.1, NM_001407670.1, NM_001407671.1 and 11 more transcripts); c.2398A>G, p.Thr800Ala (NM_001407653.1, NM_001407654.1, NM_001407655.1 and 4 more transcripts); c.2395A>G, p.Thr799Ala (NM_001407659.1, NM_001407660.1, NM_001407661.1 and 1 more transcripts); and 41 more; short protein forms T826A, T779A, T530A, T658A, T715A, T759A, T778A, T784A.
Identifiers: ClinVar variation 970794 (VCV000970794.13), dbSNP rs1597869768, ClinGen allele CA10597050.

ClinVar aggregate classification (germline): Conflicting classifications of pathogenicity. Review status: criteria provided, conflicting classifications (1 of 4 stars). 2 submissions from 2 submitters: Uncertain significance (1); Likely benign (1). Last evaluated 2024-02-02.

Conditions:
Hereditary cancer-predisposing syndrome. Also called: Neoplastic Syndromes, Hereditary; Hereditary Cancer Syndrome; Tumor predisposition; Hereditary neoplastic syndrome. Identifiers: Orphanet 140162, MedGen C0027672, MeSH D009386, MONDO:0015356.
Hereditary breast ovarian cancer syndrome. Also called: BRCA1- and BRCA2-Associated Hereditary Breast and Ovarian Cancer; Hereditary breast and ovarian cancer; Hereditary breast and ovarian cancer syndrome; Hereditary breast and/or ovarian cancer syndrome; Hereditary breast and ovarian cancer syndrome (HBOC); Breast and ovarian cancer. Identifiers: Orphanet 145, MedGen C0677776, MeSH D061325, MONDO:0003582. Disease mechanism: loss of function.

Submissions (2):

Labcorp Genetics (formerly Invitae), Labcorp
Classification: Uncertain significance for Hereditary breast ovarian cancer syndrome. Last evaluated: 2024-02-02. Review status: criteria provided, single submitter. Criteria: Invitae Variant Classification Sherloc (09022015). Collection method: clinical testing. Allele origin: germline.
Comment: This sequence change replaces threonine, which is neutral and polar, with alanine, which is neutral and non-polar, at codon 826 of the BRCA1 protein (p.Thr826Ala). This variant is not present in population databases (gnomAD no frequency). This variant has not been reported in the literature in individuals affected with BRCA1-related conditions. ClinVar contains an entry for this variant (Variation ID: 970794). Advanced modeling of protein sequence and biophysical properties (such as structural, functional, and spatial information, amino acid conservation, physicochemical variation, residue mobility, and thermodynamic stability) performed at Invitae indicates that this missense variant is not expected to disrupt BRCA1 protein function with a negative predictive value of 95%. In summary, the available evidence is currently insufficient to determine the role of this variant in disease. Therefore, it has been classified as a Variant of Uncertain Significance.

University of Washington Department of Laboratory Medicine, University of Washington
Classification: Likely benign for Hereditary cancer-predisposing syndrome. Last evaluated: 2023-03-23. Review status: criteria provided, single submitter. Criteria: Dines et al. (Genet Med. 2020). Collection method: curation. Allele origin: germline.
Comment: Missense variant in a coldspot region where missense variants are very unlikely to be pathogenic (PMID:31911673).

BRCA1 coldspot (exon 11 using historical exon numbering). Reclassification based on statistical prior probability